The following is an entry in ClinVar:

ClinVar aggregate classification (germline): Uncertain significance (1 of 4 stars; one submission).

Submission:

Labcorp Genetics (formerly Invitae), Labcorp
Classification: Uncertain significance. Last evaluated: 2025-06-13. Review status: criteria provided, single submitter. Criteria: Invitae Variant Classification Sherloc (09022015). Collection method: clinical testing. Allele origin: germline.
Comment: This sequence change replaces aspartic acid, which is acidic and polar, with tyrosine, which is neutral and polar, at codon 1398 of the DUOX2 protein (p.Asp1398Tyr). This variant is not present in population databases (gnomAD no frequency). This variant has not been reported in the literature in individuals affected with DUOX2-related conditions. ClinVar contains an entry for this variant (Variation ID: 3605513). Invitae Evidence Modeling of protein sequence and biophysical properties (such as structural, functional, and spatial information, amino acid conservation, physicochemical variation, residue mobility, and thermodynamic stability) indicates that this missense variant is expected to disrupt DUOX2 protein function with a positive predictive value of 80%. In summary, the available evidence is currently insufficient to determine the role of this variant in disease. Therefore, it has been classified as a Variant of Uncertain Significance.

NM_001363711.2(DUOX2):c.4192G>T (p.Asp1398Tyr)

Gene: DUOX2 (dual oxidase 2; minus strand). Cytogenetic location: 15q21.1.
Variant type: single nucleotide variant.
Coding change: c.4192G>T on transcript NM_001363711.2 (MANE Select); coding-DNA position 4192, G replaced by T.
Protein change: p.Asp1398Tyr; replaces aspartic acid 1398 with tyrosine.
Molecular consequence: missense variant.
Genome position (GRCh38, 1-based): chr15:45,095,484, C>A on the plus strand (G>T on the coding strand, the complement: DUOX2 is on the minus strand). VCF-style: chr15-45095484-C-A. GRCh37 (hg19) VCF-style: chr15-45387682-C-A.
Other names: c.4192G>T, p.Asp1398Tyr (NM_014080.5); short protein forms D1398Y.
Identifiers: ClinVar variation 3605513 (VCV003605513.2).